The following is an entry in ClinVar:

NM_001042492.3(NF1):c.8509A>C (p.Lys2837Gln)

Gene: NF1 (neurofibromin 1; plus strand). Cytogenetic location: 17q11.2.
Variant type: single nucleotide variant.
Coding change: c.8509A>C on transcript NM_001042492.3 (MANE Select); coding-DNA position 8509, A replaced by C.
Protein change: p.Lys2837Gln; replaces lysine 2837 with glutamine.
Molecular consequence: missense variant.
Genome position (GRCh38, 1-based): chr17:31,374,144, A>C. VCF-style: chr17-31374144-A-C. GRCh37 (hg19) VCF-style: chr17-29701162-A-C.
Other names: c.8446A>C, p.Lys2816Gln (NM_000267.4); short protein forms K2816Q, K2837Q.
Identifiers: ClinVar variation 1016465 (VCV001016465.5), dbSNP rs2070698110, ClinGen allele CA399206133.

ClinVar aggregate classification (germline): Uncertain significance (1 of 4 stars; one submission).

Conditions:
Neurofibromatosis, type 1 (NF1). Also called: VON RECKLINGHAUSEN DISEASE; Neurofibromatosis, type I; NEUROFIBROMATOSIS, TYPE I, SOMATIC; Peripheral type neurofibromatosis. Identifiers: Orphanet 636, MedGen C0027831, MONDO:0018975, OMIM 162200. Disease mechanism: loss of function.

Submission:

Labcorp Genetics (formerly Invitae), Labcorp
Classification: Uncertain significance for Neurofibromatosis, type 1. Last evaluated: 2020-06-16. Review status: criteria provided, single submitter. Criteria: Invitae Variant Classification Sherloc (09022015). Collection method: clinical testing. Allele origin: germline.
Comment: This sequence change replaces lysine with glutamine at codon 2816 of the NF1 protein (p.Lys2816Gln). The lysine residue is moderately conserved and there is a small physicochemical difference between lysine and glutamine. This variant is not present in population databases (ExAC no frequency). This variant has not been reported in the literature in individuals with NF1-related conditions. Algorithms developed to predict the effect of missense changes on protein structure and function are either unavailable or do not agree on the potential impact of this missense change (SIFT: "Deleterious"; PolyPhen-2: "Probably Damaging"; Align-GVGD: "Class C0"). In summary, the available evidence is currently insufficient to determine the role of this variant in disease. Therefore, it has been classified as a Variant of Uncertain Significance.